The following is an entry in ClinVar:

ClinVar aggregate classification (germline): Likely pathogenic. Review status: criteria provided, multiple submitters, no conflicts (2 of 4 stars). 2 submissions from 2 submitters: Likely pathogenic (2). Last evaluated 2023-08-21.

Conditions:
Nemaline myopathy 2 (NEM2). Also called: Nemaline myopathy 2, autosomal recessive. Identifiers: MedGen C1850569, MONDO:0009725, OMIM 256030.

Submissions (2):

Labcorp Genetics (formerly Invitae), Labcorp
Classification: Likely pathogenic for Nemaline myopathy 2. Last evaluated: 2023-08-21. Review status: criteria provided, single submitter. Criteria: Invitae Variant Classification Sherloc (09022015). Collection method: clinical testing. Allele origin: germline.
Comment: In summary, the currently available evidence indicates that the variant is pathogenic, but additional data are needed to prove that conclusively. Therefore, this variant has been classified as Likely Pathogenic. Algorithms developed to predict the effect of sequence changes on RNA splicing suggest that this variant may disrupt the consensus splice site. ClinVar contains an entry for this variant (Variation ID: 808827). This variant has not been reported in the literature in individuals affected with NEB-related conditions. This variant is not present in population databases (gnomAD no frequency). This sequence change affects an acceptor splice site in intron 38 of the NEB gene. It is expected to disrupt RNA splicing. Variants that disrupt the donor or acceptor splice site typically lead to a loss of protein function (PMID: 16199547), and loss-of-function variants in NEB are known to be pathogenic (PMID: 25205138).

CeGaT Center for Human Genetics Tuebingen
Classification: Likely pathogenic. Last evaluated: 2016-06-01. Review status: criteria provided, single submitter. Criteria: CeGaT Center For Human Genetics Tuebingen Variant Classification Criteria Version 2. Collection method: clinical testing. Allele origin: germline. Affected: yes. Observed: 1 variant allele.

Literature cited by the submitters: PubMed 16199547 (cited by Labcorp Genetics (formerly Invitae), Labcorp); PubMed 25205138 (cited by Labcorp Genetics (formerly Invitae), Labcorp).

NM_001164508.2(NEB):c.4507-2A>G

Gene: NEB (nebulin; minus strand). Cytogenetic location: 2q23.3.
Variant type: single nucleotide variant.
Coding change: c.4507-2A>G on transcript NM_001164508.2 (MANE Select); the canonical splice acceptor site of the intron before coding-DNA position 4507, A replaced by G.
Molecular consequence: splice acceptor variant.
Genome position (GRCh38, 1-based): chr2:151,669,133, T>C on the plus strand (A>G on the coding strand, the complement: NEB is on the minus strand). VCF-style: chr2-151669133-T-C. GRCh37 (hg19) VCF-style: chr2-152525647-T-C.
Other names: c.4507-2A>G (NM_004543.5, NM_001164507.2, NM_001271208.2).
Identifiers: ClinVar variation 808827 (VCV000808827.51), dbSNP rs1575668113, ClinGen allele CA348815172.